The following is an entry in ClinVar:

ClinVar aggregate classification (germline): Uncertain significance (1 of 4 stars; one submission).

gnomAD v4.1: 1 of 1,613,210 alleles (0.000062%); highest among the groups gnomAD compares: Admixed American, 0.0017%; no homozygotes.

Submission:

Labcorp Genetics (formerly Invitae), Labcorp
Classification: Uncertain significance. Last evaluated: 2022-09-14. Review status: criteria provided, single submitter. Criteria: Invitae Variant Classification Sherloc (09022015). Collection method: clinical testing. Allele origin: germline.
Comment: This variant is not present in population databases (gnomAD no frequency). This sequence change replaces arginine, which is basic and polar, with glycine, which is neutral and non-polar, at codon 520 of the ADGRA3 protein (p.Arg520Gly). This variant has not been reported in the literature in individuals affected with ADGRA3-related conditions. In summary, the available evidence is currently insufficient to determine the role of this variant in disease. Therefore, it has been classified as a Variant of Uncertain Significance. Algorithms developed to predict the effect of missense changes on protein structure and function (SIFT, PolyPhen-2, Align-GVGD) all suggest that this variant is likely to be tolerated.

NM_145290.4(ADGRA3):c.1558C>G (p.Arg520Gly)

Gene: ADGRA3 (adhesion G protein-coupled receptor A3; minus strand). Cytogenetic location: 4p15.2.
Variant type: single nucleotide variant.
Coding change: c.1558C>G on transcript NM_145290.4 (MANE Select); coding-DNA position 1558, C replaced by G.
Protein change: p.Arg520Gly; replaces arginine 520 with glycine.
Molecular consequence: missense variant.
Genome position (GRCh38, 1-based): chr4:22,424,238, G>C on the plus strand (C>G on the coding strand, the complement: ADGRA3 is on the minus strand). VCF-style: chr4-22424238-G-C. GRCh37 (hg19) VCF-style: chr4-22425861-G-C.
Other names: short protein forms R520G.
Identifiers: ClinVar variation 2104514 (VCV002104514.4), dbSNP rs748176960, ClinGen allele CA356481401.
Genomic context (GRCh38, chr4:22,424,238, plus strand): 5'-ATGTTACACTTACTGTTGAATAAACGTGAGCTCCACCGGCTAGCCGGTAGGTAGCAATGC[G>C]CTGAAGACACTGCACAATCCTACTGCAGGCTTTAGCTTCCCTCTGCGCCAGCCACAGGAC-3'
Protein context (NP_660333.2, residues 510-530): ACSRIVQCLQ[Arg520Gly]IATYRLAGGA